The following is an entry in ClinVar:

ClinVar aggregate classification (germline): Uncertain significance. Review status: criteria provided, multiple submitters, no conflicts (2 of 4 stars). 2 submissions from 2 submitters: Uncertain significance (2). Last evaluated 2024-03-29.

Conditions:
Giant axonal neuropathy 1 (GAN1). Also called: GIANT AXONAL NEUROPATHY 1, AUTOSOMAL RECESSIVE; GAN-Related Neurodegeneration. Identifiers: Orphanet 643, MedGen C1850386, MONDO:0009749, OMIM 256850.

Allele frequency attached by ClinVar (database versions not stated): gnomAD exomes below 0.00001.
gnomAD v4.1: 2 of 1,463,028 alleles (0.00014%); highest among the groups gnomAD compares: Non-Finnish European, 0.000096%; no homozygotes.

Submissions (2):

Genomic Medicine Center of Excellence, King Faisal Specialist Hospital and Research Centre
Classification: Uncertain significance for Giant axonal neuropathy 1. Last evaluated: 2024-03-29. Review status: criteria provided, single submitter. Criteria: ACMG Guidelines, 2015. Collection method: clinical testing. Allele origin: germline.

Labcorp Genetics (formerly Invitae), Labcorp
Classification: Uncertain significance for Giant axonal neuropathy 1. Last evaluated: 2022-03-31. Review status: criteria provided, single submitter. Criteria: Invitae Variant Classification Sherloc (09022015). Collection method: clinical testing. Allele origin: germline.
Comment: This sequence change replaces tyrosine, which is neutral and polar, with cysteine, which is neutral and slightly polar, at codon 61 of the GAN protein (p.Tyr61Cys). This variant is not present in population databases (gnomAD no frequency). This variant has not been reported in the literature in individuals affected with GAN-related conditions. Algorithms developed to predict the effect of missense changes on protein structure and function (SIFT, PolyPhen-2, Align-GVGD) all suggest that this variant is likely to be disruptive. In summary, the available evidence is currently insufficient to determine the role of this variant in disease. Therefore, it has been classified as a Variant of Uncertain Significance.

NM_022041.4(GAN):c.182A>G (p.Tyr61Cys)

Gene: GAN (gigaxonin; plus strand). Cytogenetic location: 16q23.2.
Variant type: single nucleotide variant.
Coding change: c.182A>G on transcript NM_022041.4 (MANE Select); coding-DNA position 182, A replaced by G.
Protein change: p.Tyr61Cys; replaces tyrosine 61 with cysteine.
Molecular consequence: missense variant. On other transcripts: intron variant (1).
Genome position (GRCh38, 1-based): chr16:81,351,597, A>G. VCF-style: chr16-81351597-A-G. GRCh37 (hg19) VCF-style: chr16-81385202-A-G.
Other names: c.-357-2808A>G (NM_001377486.1); short protein forms Y61C.
Identifiers: ClinVar variation 1927366 (VCV001927366.6), dbSNP rs1910301746, ClinGen allele CA396865271.